The following is an entry in ClinVar:

NM_004304.5(ALK):c.1546+1G>C

Gene: ALK (ALK receptor tyrosine kinase; minus strand). Cytogenetic location: 2p23.2.
Variant type: single nucleotide variant.
Coding change: c.1546+1G>C on transcript NM_004304.5 (MANE Select); the canonical splice donor site of the intron after coding-DNA position 1546, G replaced by C.
Molecular consequence: splice donor variant.
Genome position (GRCh38, 1-based): chr2:29,320,750, C>G on the plus strand (G>C on the coding strand, the complement: ALK is on the minus strand). VCF-style: chr2-29320750-C-G. GRCh37 (hg19) VCF-style: chr2-29543616-C-G.
Identifiers: ClinVar variation 2731728 (VCV002731728.3), dbSNP rs2148250829, ClinGen allele CA346472160.
Genomic context (GRCh38, chr2:29,320,750, plus strand): 5'-CCCATCTGTCTATGTGGGCATGAAGATGGGCACCAGAGAGAAGGCAGGAGAGCAGTAGTA[C>G]CTTGGTGGTCCTGGAACCGGGCATCCTTTAGGGTCCTGACCTGCCATTGAGGAGTGTGGG-3'

ClinVar aggregate classification (germline): Uncertain significance (1 of 4 stars; one submission).

Conditions:
Neuroblastoma, susceptibility to, 3. Also called: ALK-Related Neuroblastic Tumor Susceptibility. Identifiers: Orphanet 635, MedGen C2751681, MONDO:0013083, OMIM 613014.

Allele frequency attached by ClinVar (database versions not stated): gnomAD exomes below 0.00001.
gnomAD v4.1: 1 of 1,613,644 alleles (0.000062%); highest among the groups gnomAD compares: Non-Finnish European, 0.000085%; no homozygotes.

Submission:

Labcorp Genetics (formerly Invitae), Labcorp
Classification: Uncertain significance for Neuroblastoma, susceptibility to, 3. Last evaluated: 2023-03-17. Review status: criteria provided, single submitter. Criteria: Invitae Variant Classification Sherloc (09022015). Collection method: clinical testing. Allele origin: germline.
Comment: In summary, the available evidence is currently insufficient to determine the role of this variant in disease. Therefore, it has been classified as a Variant of Uncertain Significance. Algorithms developed to predict the effect of sequence changes on RNA splicing suggest that this variant may disrupt the consensus splice site. This variant has not been reported in the literature in individuals affected with ALK-related conditions. This variant is not present in population databases (gnomAD no frequency). This sequence change affects a donor splice site in intron 7 of the ALK gene. It is expected to disrupt RNA splicing. Variants that disrupt the donor or acceptor splice site typically lead to a loss of protein function (PMID: 16199547), however the current clinical and genetic evidence is not sufficient to establish whether loss-of-function variants in ALK cause disease.

Literature cited by the submitters: PubMed 16199547.